The following is an entry in ClinVar:

NM_001130009.3(GEN1):c.850G>T (p.Asp284Tyr)

Gene: GEN1 (GEN1 Holliday junction 5' flap endonuclease; plus strand). Cytogenetic location: 2p24.2.
Variant type: single nucleotide variant.
Coding change: c.850G>T on transcript NM_001130009.3 (MANE Select); coding-DNA position 850, G replaced by T.
Protein change: p.Asp284Tyr; replaces aspartic acid 284 with tyrosine.
Molecular consequence: missense variant.
Genome position (GRCh38, 1-based): chr2:17,772,681, G>T. VCF-style: chr2-17772681-G-T. GRCh37 (hg19) VCF-style: chr2-17953948-G-T.
Other names: c.850G>T, p.Asp284Tyr (NM_182625.5); short protein forms D284Y.
Identifiers: ClinVar variation 3853587 (VCV003853587.1).

ClinVar aggregate classification (germline): Uncertain significance (1 of 4 stars; one submission).

gnomAD v4.1: 3 of 1,612,260 alleles (0.00019%); highest among the groups gnomAD compares: Non-Finnish European, 0.00017%; no homozygotes.

Submission:

Ambry Genetics
Classification: Uncertain significance. Last evaluated: 2025-02-22. Review status: criteria provided, single submitter. Criteria: Ambry Variant Classification Scheme 2023. Collection method: clinical testing. Allele origin: germline.
Comment: The p.D284Y variant (also known as c.850G>T), located in coding exon 7 of the GEN1 gene, results from a G to T substitution at nucleotide position 850. The aspartic acid at codon 284 is replaced by tyrosine, an amino acid with highly dissimilar properties. This amino acid position is conserved. In addition, this alteration is predicted to be tolerated by in silico analysis. Based on the available evidence, the clinical significance of this variant remains unclear.